The following is an entry in ClinVar:

ClinVar aggregate classification (germline): Uncertain significance. Review status: criteria provided, multiple submitters, no conflicts (2 of 4 stars). 2 submissions from 2 submitters: Uncertain significance (2). Last evaluated 2025-02-05.

Submissions (2):

Mayo Clinic Laboratories, Mayo Clinic
Classification: Uncertain significance. Last evaluated: 2025-02-05. Review status: criteria provided, single submitter. Criteria: ACMG Guidelines, 2015. Collection method: clinical testing. Allele origin: germline. Observed: 1 variant allele.
Comment: PM1, PM2_moderate

Labcorp Genetics (formerly Invitae), Labcorp
Classification: Uncertain significance. Last evaluated: 2022-10-04. Review status: criteria provided, single submitter. Criteria: Invitae Variant Classification Sherloc (09022015). Collection method: clinical testing. Allele origin: germline.
Comment: This variant occurs in the MIR96 gene, which encodes an RNA molecule that does not result in a protein product. This variant is not present in population databases (gnomAD no frequency). ClinVar contains an entry for this variant (Variation ID: 1363077). This variant has not been reported in the literature in individuals affected with MIR96-related conditions. Experimental studies and prediction algorithms are not available or were not evaluated, and the functional significance of this variant is currently unknown. In summary, the available evidence is currently insufficient to determine the role of this variant in disease. Therefore, it has been classified as a Variant of Uncertain Significance.

Literature cited by the submitters: PubMed 19363479 (cited by Mayo Clinic Laboratories, Mayo Clinic).

NC_000007.14:g.129774756G>A

Gene: MIR96 (microRNA 96; minus strand). Cytogenetic location: 7q32.2.
Variant type: single nucleotide variant.
Molecular consequence: non-coding transcript variant (on NR_029512.1).
Genome position: GRCh38 VCF-style: chr7-129774756-G-A. GRCh37 (hg19) VCF-style: chr7-129414596-G-A.
Identifiers: ClinVar variation 1363077 (VCV001363077.7), dbSNP rs587776523, ClinGen allele CA457730588.
Genomic context (GRCh38, chr7:129,774,756, plus strand): 5'-CCATATTGGCACTGCACATGATTGCTCAGAGCGGAGAGACACAAGCAAAAATGTGCTAGT[G>A]CCAAAATCGGCCAAGCAGATGGCACTGGTGCGGGCTCTCTGGGGACACACTGGACGAGGG-3'